The following is an entry in ClinVar:

ClinVar aggregate classification (germline): Likely benign. Review status: criteria provided, single submitter (1 of 4 stars). 2 submissions from 2 submitters: Likely benign (1). 1 of the submissions does not count toward it. Last evaluated 2026-01-22.

Conditions:
PSMB9-related disorder. Also called: PSMB9-related condition.

Allele frequency attached by ClinVar (database versions not stated): gnomAD exomes 0.00240; ESP Exome Variant Server 0.00720; gnomAD 0.00832; TOPMed 0.00852; 1000 Genomes Project 0.01398; 1000 Genomes Project 30x 0.01608; ExAC 0.01952.
gnomAD v4.1: 4,617 of 1,534,740 alleles (0.3%); highest among the groups gnomAD compares: African/African-American, 2.8%; 85 homozygotes.

Submissions (2):

Women's Health and Genetics/Laboratory Corporation of America, LabCorp
Classification: Likely benign. Last evaluated: 2026-01-22. Review status: criteria provided, single submitter. Criteria: LabCorp Variant Classification Summary - May 2015. Collection method: clinical testing. Allele origin: germline.

PreventionGenetics, part of Exact Sciences
Classification: Benign for PSMB9-related condition. Last evaluated: 2019-03-15. Review status: no assertion criteria provided. Collection method: clinical testing. Allele origin: germline. Not counted in ClinVar's aggregate classification.
Comment: This variant is classified as benign based on ACMG/AMP sequence variant interpretation guidelines (Richards et al. 2015 PMID: 25741868, with internal and published modifications).

NM_002800.5(PSMB9):c.26G>A (p.Gly9Glu)

Gene: PSMB9 (proteasome 20S subunit beta 9; plus strand). Cytogenetic location: 6p21.32.
Variant type: single nucleotide variant.
Coding change: c.26G>A on transcript NM_002800.5 (MANE Select); coding-DNA position 26, G replaced by A.
Protein change: p.Gly9Glu; replaces glycine 9 with glutamic acid.
Molecular consequence: missense variant.
Genome position (GRCh38, 1-based): chr6:32,854,255, G>A. VCF-style: chr6-32854255-G-A. GRCh37 (hg19) VCF-style: chr6-32822032-G-A.
Other names: short protein forms G9E.
Identifiers: ClinVar variation 3044101 (VCV003044101.3), dbSNP rs35100697, ClinGen allele CA3747135.